The following is an entry in ClinVar:

NM_020297.4(ABCC9):c.1802+4T>G

Gene: ABCC9 (ATP binding cassette subfamily C member 9; minus strand). Cytogenetic location: 12p12.1.
Variant type: single nucleotide variant.
Coding change: c.1802+4T>G on transcript NM_020297.4 (MANE Select); 4 bases into the intron after coding-DNA position 1802, T replaced by G.
Molecular consequence: intron variant.
Genome position (GRCh38, 1-based): chr12:21,894,028, A>C on the plus strand (T>G on the coding strand, the complement: ABCC9 is on the minus strand). VCF-style: chr12-21894028-A-C. GRCh37 (hg19) VCF-style: chr12-22046962-A-C.
Other names: c.938+4T>G (NM_001377274.1); c.1802+4T>G (NM_005691.4, NM_001377273.1).
Identifiers: ClinVar variation 4754262 (VCV004754262.1).

ClinVar aggregate classification (germline): Uncertain significance (1 of 4 stars; one submission).

Conditions:
Dilated cardiomyopathy 1O (CMD1O). Also called: CARDIOMYOPATHY, DILATED, WITH VENTRICULAR TACHYCARDIA. Identifiers: Orphanet 154, MedGen C1837839, MONDO:0012062, OMIM 608569.

gnomAD v4.1: 1 of 1,613,988 alleles (0.000062%); highest among the groups gnomAD compares: Non-Finnish European, 0.000085%; no homozygotes.

Submission:

Labcorp Genetics (formerly Invitae), Labcorp
Classification: Uncertain significance for Dilated cardiomyopathy 1O. Last evaluated: 2025-09-04. Review status: criteria provided, single submitter. Criteria: Invitae Variant Classification Sherloc (09022015). Collection method: clinical testing. Allele origin: germline.
Comment: This sequence change falls in intron 12 of the ABCC9 gene. It does not directly change the encoded amino acid sequence of the ABCC9 protein. It affects a nucleotide within the consensus splice site. This variant is not present in population databases (gnomAD no frequency). This variant has not been reported in the literature in individuals affected with ABCC9-related conditions. Variants that disrupt the consensus splice site are a relatively common cause of aberrant splicing (PMID: 17576681, 9536098). Algorithms developed to predict the effect of sequence changes on RNA splicing suggest that this variant is not likely to affect RNA splicing. In summary, the available evidence is currently insufficient to determine the role of this variant in disease. Therefore, it has been classified as a Variant of Uncertain Significance.

Literature cited by the submitters: PubMed 17576681; PubMed 9536098.